The following is an entry in ClinVar:

ClinVar aggregate classification (germline): Benign (1 of 4 stars; one submission).

gnomAD v4.1: 440 of 1,609,082 alleles (0.027%); highest among the groups gnomAD compares: East Asian, 0.77%; 3 homozygotes.

Submission:

Women's Health and Genetics/Laboratory Corporation of America, LabCorp
Classification: Benign. Last evaluated: 2026-05-06. Review status: criteria provided, single submitter. Criteria: LabCorp Variant Classification Summary - May 2015. Collection method: clinical testing. Allele origin: germline.
Comment: Variant summary: C8A c.-18C>T is located in the untranslated mRNA region upstream of the initiation codon. The variant allele was found at a frequency of 0.00067 in 248286 control chromosomes, predominantly at a frequency of 0.0084 within the East Asian subpopulation in the gnomAD database. The observed variant frequency within East Asian control individuals in the gnomAD database exceeds the estimated maximal expected allele frequency for disease-causing variants in C8A. To our knowledge, no occurrence of c.-18C>T in individuals affected with C8A-related conditions and no experimental evidence demonstrating its impact on protein function have been reported. No submitters have cited clinical-significance assessments for this variant to ClinVar. Based on the evidence outlined above, the variant was classified as benign.

NM_000562.3(C8A):c.-18C>T

Gene: C8A (complement C8 alpha chain; plus strand). Cytogenetic location: 1p32.2.
Variant type: single nucleotide variant.
Coding change: c.-18C>T on transcript NM_000562.3 (MANE Select); 18 bases upstream of the start codon, C replaced by T.
Molecular consequence: 5 prime UTR variant.
Genome position (GRCh38, 1-based): chr1:56,854,884, C>T. VCF-style: chr1-56854884-C-T. GRCh37 (hg19) VCF-style: chr1-57320557-C-T.
Identifiers: ClinVar variation 4848567 (VCV004848567.2).